The following is an entry in ClinVar:

ClinVar aggregate classification (germline): Uncertain significance (1 of 4 stars; one submission).

Conditions:
MHC class II deficiency. Also called: Bare lymphocyte syndrome 2; BLS, TYPE II. Identifiers: Orphanet 572, MedGen C5447452, MONDO:0008855.

Allele frequency attached by ClinVar (database versions not stated): gnomAD exomes below 0.00001.
gnomAD v4.1: 1 of 1,613,474 alleles (0.000062%); highest among the groups gnomAD compares: Middle Eastern, 0.016%; no homozygotes.

Submission:

Labcorp Genetics (formerly Invitae), Labcorp
Classification: Uncertain significance for MHC class II deficiency. Last evaluated: 2022-03-01. Review status: criteria provided, single submitter. Criteria: Invitae Variant Classification Sherloc (09022015). Collection method: clinical testing. Allele origin: germline.
Comment: In summary, the available evidence is currently insufficient to determine the role of this variant in disease. Therefore, it has been classified as a Variant of Uncertain Significance. Algorithms developed to predict the effect of missense changes on protein structure and function are either unavailable or do not agree on the potential impact of this missense change (SIFT: "Deleterious"; PolyPhen-2: "Probably Damaging"; Align-GVGD: "Class C0"). This variant has not been reported in the literature in individuals affected with CIITA-related conditions. This variant is not present in population databases (gnomAD no frequency). This sequence change replaces glutamine, which is neutral and polar, with histidine, which is basic and polar, at codon 573 of the CIITA protein (p.Gln573His).

NM_000246.4(CIITA):c.1719G>T (p.Gln573His)

Gene: CIITA (class II major histocompatibility complex transactivator; plus strand). Cytogenetic location: 16p13.13.
Variant type: single nucleotide variant.
Coding change: c.1719G>T on transcript NM_000246.4 (MANE Select); coding-DNA position 1719, G replaced by T.
Protein change: p.Gln573His; replaces glutamine 573 with histidine.
Molecular consequence: missense variant. On other transcripts: intron variant (1).
Genome position (GRCh38, 1-based): chr16:10,907,211, G>T. VCF-style: chr16-10907211-G-T. GRCh37 (hg19) VCF-style: chr16-11001068-G-T.
Other names: c.1722G>T, p.Gln574His (NM_001286402.1, NM_001379332.1); c.1575G>T, p.Gln525His (NM_001379330.1); c.1572G>T, p.Gln524His (NM_001379331.1); c.1719G>T, p.Gln573His (NM_001379333.1); c.1650G>T, p.Gln550His (NM_001379334.1); c.860-1772G>T (NM_001286403.2); short protein forms Q550H, Q524H, Q573H, Q574H, Q525H.
Identifiers: ClinVar variation 2161837 (VCV002161837.4), dbSNP rs2039230229, ClinGen allele CA394731585.